The following is an entry in ClinVar:

ClinVar aggregate classification (germline): Likely benign (1 of 4 stars; one submission).

Conditions:
SLC10A2-related disorder. Also called: SLC10A2-related condition.

Submission:

PreventionGenetics, part of Exact Sciences
Classification: Likely benign for SLC10A2-related condition. Last evaluated: 2025-07-01. Review status: criteria provided, single submitter. Criteria: ACMG Guidelines, 2015. Collection method: clinical testing. Allele origin: germline.
Comment: This variant is classified as likely benign based on ACMG/AMP sequence variant interpretation guidelines (Richards et al. 2015 PMID: 25741868, with internal and published modifications).

NM_000452.3(SLC10A2):c.51A>G (p.Ala17=)

Gene: SLC10A2 (solute carrier family 10 member 2; minus strand). Cytogenetic location: 13q33.1.
Variant type: single nucleotide variant.
Coding change: c.51A>G on transcript NM_000452.3 (MANE Select); coding-DNA position 51, A replaced by G.
Protein change: p.Ala17=; no amino-acid change (alanine 17 retained).
Molecular consequence: synonymous variant.
Genome position (GRCh38, 1-based): chr13:103,066,199, T>C on the plus strand (A>G on the coding strand, the complement: SLC10A2 is on the minus strand). VCF-style: chr13-103066199-T-C. GRCh37 (hg19) VCF-style: chr13-103718549-T-C.
Identifiers: ClinVar variation 4997101 (VCV004997101.1).